The following is an entry in ClinVar:

NM_000548.5(TSC2):c.375G>C (p.Lys125Asn)

Gene: TSC2 (TSC complex subunit 2; plus strand). Cytogenetic location: 16p13.3.
Variant type: single nucleotide variant.
Coding change: c.375G>C on transcript NM_000548.5 (MANE Select); coding-DNA position 375, G replaced by C.
Protein change: p.Lys125Asn; replaces lysine 125 with asparagine.
Molecular consequence: missense variant. On other transcripts: intron variant (1).
Genome position (GRCh38, 1-based): chr16:2,054,334, G>C. VCF-style: chr16-2054334-G-C. GRCh37 (hg19) VCF-style: chr16-2104335-G-C.
Other names: c.375G>C, p.Lys125Asn (NM_001077183.3, NM_001114382.3, NM_001363528.2 and 3 more transcripts); c.264G>C, p.Lys88Asn (NM_001318827.2); c.228G>C, p.Lys76Asn (NM_001318829.2); c.408G>C, p.Lys136Asn (NM_001318832.2); c.-1-1862G>C (NM_001318831.2); short protein forms K125N, K76N, K136N, K88N.
Identifiers: ClinVar variation 486657 (VCV000486657.18), dbSNP rs778928295, ClinGen allele CA048320.

ClinVar aggregate classification (germline): Conflicting classifications of pathogenicity. Review status: criteria provided, conflicting classifications (1 of 4 stars). 5 submissions from 5 submitters: Uncertain significance (4); Benign (1). Last evaluated 2025-09-20.

Conditions:
Tuberous sclerosis syndrome (TSC). Also called: Tuberous Sclerosis Complex; Tuberous sclerosis. Identifiers: Orphanet 805, MedGen C0041341, MONDO:0001734.
Hereditary cancer-predisposing syndrome. Also called: Tumor predisposition; Neoplastic Syndromes, Hereditary; Hereditary Cancer Syndrome; Hereditary neoplastic syndrome. Identifiers: Orphanet 140162, MedGen C0027672, MeSH D009386, MONDO:0015356.
Tuberous sclerosis 2 (TSC2). Identifiers: Orphanet 805, MedGen C1860707, MONDO:0013199, OMIM 613254.

Allele frequency attached by ClinVar (database versions not stated): gnomAD 0.00001; gnomAD exomes 0.00001 and below 0.00001; TOPMed below 0.00001; ExAC 0.00001.
gnomAD v4.1: 4 of 1,614,068 alleles (0.00025%); highest among the groups gnomAD compares: African/African-American, 0.004%; no homozygotes.

Submissions (5):

Ambry Genetics
Classification: Uncertain significance for Hereditary cancer-predisposing syndrome. Last evaluated: 2025-09-20. Review status: criteria provided, single submitter. Criteria: Ambry Variant Classification Scheme 2023. Collection method: clinical testing. Allele origin: germline.
Comment: The p.K125N variant (also known as c.375G>C), located in coding exon 4 of the TSC2 gene, results from a G to C substitution at nucleotide position 375. The lysine at codon 125 is replaced by asparagine, an amino acid with similar properties. This amino acid position is not well conserved in available vertebrate species. In addition, this alteration is predicted to be tolerated by in silico analysis. Since supporting evidence is limited at this time, the clinical significance of this alteration remains unclear.

Color Diagnostics, LLC DBA Color Health
Classification: Uncertain significance for Tuberous sclerosis syndrome. Last evaluated: 2025-07-17. Review status: criteria provided, single submitter. Criteria: ACMG Guidelines, 2015. Collection method: clinical testing. Allele origin: germline.
Comment: This missense variant replaces lysine with asparagine at codon 125 of the TSC2 protein. Computational prediction suggests that this variant may not impact protein structure and function. To our knowledge, functional studies have not been reported for this variant. This variant has not been reported in individuals affected with TSC2-related disorders in the literature. This variant has been identified in 1/251484 chromosomes in the general population by the Genome Aggregation Database (gnomAD). The available evidence is insufficient to determine the role of this variant in disease conclusively. Therefore, this variant is classified as a Variant of Uncertain Significance.

Labcorp Genetics (formerly Invitae), Labcorp
Classification: Benign for Tuberous sclerosis 2. Last evaluated: 2025-07-06. Review status: criteria provided, single submitter. Criteria: Invitae Variant Classification Sherloc (09022015). Collection method: clinical testing. Allele origin: germline.

Sema4
Classification: Uncertain significance for Hereditary cancer-predisposing syndrome. Last evaluated: 2022-03-10. Review status: criteria provided, single submitter. Criteria: Sema4 Curation Guidelines. Collection method: curation. Allele origin: germline.
Comment: The TSC2 c.375G>C (p.K125N) variant has not been reported in the literature to our knowledge. It was observed in 1/16254 chromosomes of the African/African American (AFR) subpopulation in the large and broad cohorts of the Genome Aggregation Database (PMID: 32461654). This variant has been reported in ClinVar (Variation ID 486657). Functional studies have not been performed, and in silico predictions of the variant's effect on protein function are inconclusive. The evidence is insufficient to meet ACMG/AMP criteria for classifying the variant as benign or pathogenic. Thus, the clinical significance of this variant is currently uncertain.

Genome-Nilou Lab
Classification: Uncertain significance for Tuberous sclerosis 2. Last evaluated: 2021-11-07. Review status: criteria provided, single submitter. Criteria: ACMG Guidelines, 2015. Collection method: clinical testing. Allele origin: germline. Affected: no.